The following is an entry in ClinVar:

NM_005732.4(RAD50):c.2718+10T>G

Gene: RAD50 (RAD50 double strand break repair protein; plus strand). Cytogenetic location: 5q31.1.
Variant type: single nucleotide variant.
Coding change: c.2718+10T>G on transcript NM_005732.4 (MANE Select); 10 bases into the intron after coding-DNA position 2718, T replaced by G.
Molecular consequence: intron variant.
Genome position (GRCh38, 1-based): chr5:132,605,009, T>G. VCF-style: chr5-132605009-T-G. GRCh37 (hg19) VCF-style: chr5-131940701-T-G.
Identifiers: ClinVar variation 414966 (VCV000414966.15), dbSNP rs765764447, ClinGen allele CA3405442.

ClinVar aggregate classification (germline): Likely benign. Review status: criteria provided, multiple submitters, no conflicts (2 of 4 stars). 2 submissions from 2 submitters: Likely benign (2). Last evaluated 2025-06-09.

Conditions:
Hereditary cancer-predisposing syndrome. Also called: Tumor predisposition; Neoplastic Syndromes, Hereditary; Hereditary neoplastic syndrome; Hereditary Cancer Syndrome. Identifiers: Orphanet 140162, MedGen C0027672, MeSH D009386, MONDO:0015356.

Allele frequency attached by ClinVar (database versions not stated): gnomAD exomes below 0.00001 and 0.00003; TOPMed 0.00001; ExAC 0.00003.
gnomAD v4.1: 6 of 1,542,532 alleles (0.00039%); highest among the groups gnomAD compares: Admixed American, 0.011%; no homozygotes.

Submissions (2):

Labcorp Genetics (formerly Invitae), Labcorp
Classification: Likely benign for Hereditary cancer-predisposing syndrome. Last evaluated: 2025-06-09. Review status: criteria provided, single submitter. Criteria: Invitae Variant Classification Sherloc (09022015). Collection method: clinical testing. Allele origin: germline.

Women's Health and Genetics/Laboratory Corporation of America, LabCorp
Classification: Likely benign. Last evaluated: 2025-01-09. Review status: criteria provided, single submitter. Criteria: LabCorp Variant Classification Summary - May 2015. Collection method: clinical testing. Allele origin: germline.
Comment: Variant summary: RAD50 c.2718+10T>G alters a nucleotide located at a position not widely known to affect splicing. Consensus agreement among computation tools predict no significant impact on normal splicing (TRaP). However, these predictions have yet to be confirmed by functional studies. The variant allele was found at a frequency of 2.6e-05 in 230392 control chromosomes, predominantly at a frequency of 0.00019 within the Latino subpopulation in the gnomAD database. The available data on variant occurrences in the general population are insufficient to allow any conclusion about variant significance. c.2718+10T>G has been reported in the literature in at least one individual affected with primitive neuroectodermal tumor (Alonso-Luna_2024). These report(s) do not provide unequivocal conclusions about association of the variant with Hereditary Breast And Ovarian Cancer Syndrome. To our knowledge, no experimental evidence demonstrating an impact on protein function has been reported. The following publication have been ascertained in the context of this evaluation (PMID: 38093606). ClinVar contains an entry for this variant (Variation ID: 414966). Based on the evidence outlined above, the variant was classified as likely benign.

Literature cited by the submitters: PubMed 38093606 (cited by Women's Health and Genetics/Laboratory Corporation of America, LabCorp).